The following is an entry in ClinVar:

ClinVar aggregate classification (germline): Uncertain significance. Review status: criteria provided, multiple submitters, no conflicts (2 of 4 stars). 5 submissions from 5 submitters: Uncertain significance (5). Last evaluated 2025-08-10.

Conditions:
Inborn genetic diseases. Identifiers: MedGen C0950123, MeSH D030342.
Hennekam lymphangiectasia-lymphedema syndrome 2 (HKLLS2). Identifiers: Orphanet 2136, MedGen C4014939, MONDO:0014454, OMIM 616006.
Van Maldergem syndrome 2 (VMLDS2). Identifiers: Orphanet 314679, MedGen C3809875, MONDO:0014242, OMIM 615546.

Allele frequency attached by ClinVar (database versions not stated): gnomAD 0.00001; ExAC 0.00003; ESP Exome Variant Server 0.00008.
gnomAD v4.1: 51 of 1,613,960 alleles (0.0032%); highest among the groups gnomAD compares: Non-Finnish European, 0.004%; no homozygotes.

Submissions (5):

Ambry Genetics
Classification: Uncertain significance for Inborn genetic diseases. Last evaluated: 2025-08-10. Review status: criteria provided, single submitter. Criteria: Ambry Variant Classification Scheme 2023. Collection method: clinical testing. Allele origin: germline.

Fulgent Genetics
Classification: Uncertain significance for Van Maldergem syndrome 2; Hennekam lymphangiectasia-lymphedema syndrome 2. Last evaluated: 2024-05-13. Review status: criteria provided, single submitter. Criteria: ACMG Guidelines, 2015. Collection method: clinical testing. Allele origin: germline.

Labcorp Genetics (formerly Invitae), Labcorp
Classification: Uncertain significance. Last evaluated: 2023-11-27. Review status: criteria provided, single submitter. Criteria: Invitae Variant Classification Sherloc (09022015). Collection method: clinical testing. Allele origin: germline.
Comment: This sequence change replaces asparagine, which is neutral and polar, with histidine, which is basic and polar, at codon 3626 of the FAT4 protein (p.Asn3626His). This variant is present in population databases (rs374041907, gnomAD 0.009%). This variant has not been reported in the literature in individuals affected with FAT4-related conditions. ClinVar contains an entry for this variant (Variation ID: 1442809). Advanced modeling of protein sequence and biophysical properties (such as structural, functional, and spatial information, amino acid conservation, physicochemical variation, residue mobility, and thermodynamic stability) performed at Invitae indicates that this missense variant is not expected to disrupt FAT4 protein function with a negative predictive value of 95%. In summary, the available evidence is currently insufficient to determine the role of this variant in disease. Therefore, it has been classified as a Variant of Uncertain Significance.

Blueprint Genetics
Classification: Uncertain significance. Last evaluated: 2022-12-14. Review status: criteria provided, single submitter. Criteria: ACMG Guidelines, 2015. Collection method: clinical testing. Allele origin: germline.

GeneDx
Classification: Uncertain significance. Last evaluated: 2022-02-24. Review status: criteria provided, single submitter. Criteria: GeneDx Variant Classification Process June 2021. Collection method: clinical testing. Allele origin: germline. Affected: yes.
Comment: Not observed at significant frequency in large population cohorts (gnomAD); In silico analysis supports that this missense variant does not alter protein structure/function; Has not been previously published as pathogenic or benign to our knowledge

NM_001291303.3(FAT4):c.10882A>C (p.Asn3628His)

Gene: FAT4 (FAT atypical cadherin 4; plus strand). Cytogenetic location: 4q28.1.
Variant type: single nucleotide variant.
Coding change: c.10882A>C on transcript NM_001291303.3 (MANE Select); coding-DNA position 10882, A replaced by C.
Protein change: p.Asn3628His; replaces asparagine 3628 with histidine.
Molecular consequence: missense variant.
Genome position (GRCh38, 1-based): chr4:125,451,892, A>C. VCF-style: chr4-125451892-A-C. GRCh37 (hg19) VCF-style: chr4-126373047-A-C.
Other names: c.10882A>C, p.Asn3628His (NM_001291285.3); c.10876A>C, p.Asn3626His (NM_024582.6); c.10876A>C (NM_024582.5); short protein forms N3626H, N3628H.
Identifiers: ClinVar variation 1442809 (VCV001442809.10), dbSNP rs374041907, ClinGen allele CA3073756.